The following is an entry in ClinVar:

NM_001348768.2(HECW2):c.434G>C (p.Gly145Ala)

Gene: HECW2 (HECT, C2 and WW domain containing E3 ubiquitin protein ligase 2; minus strand). Cytogenetic location: 2q32.3.
Variant type: single nucleotide variant.
Coding change: c.434G>C on transcript NM_001348768.2 (MANE Select); coding-DNA position 434, G replaced by C.
Protein change: p.Gly145Ala; replaces glycine 145 with alanine.
Molecular consequence: missense variant. On other transcripts: 5 prime UTR variant (1).
Genome position (GRCh38, 1-based): chr2:196,334,485, C>G on the plus strand (G>C on the coding strand, the complement: HECW2 is on the minus strand). VCF-style: chr2-196334485-C-G. GRCh37 (hg19) VCF-style: chr2-197199209-C-G.
Other names: c.-463G>C (NM_001304840.3); c.434G>C, p.Gly145Ala (NM_020760.4); short protein forms G145A.
Identifiers: ClinVar variation 1712625 (VCV001712625.2), dbSNP rs868242958, ClinGen allele CA349971706.
Genomic context (GRCh38, chr2:196,334,485, plus strand): 5'-ATCACAGCTGGGTTCTTCACGGTGATGCAGGGGGTCGTGGCTCGCAGGGCTCCACTAATG[C>G]CGTGGTAATATTTAAAACAGATTTTTATCTCCGCTGCAAAGCAATTGGAGAAAACAGTAA-3'
Protein context (NP_001335697.1, residues 135-155): EIKICFKYYH[Gly145Ala]ISGALRATTP

ClinVar aggregate classification (germline): Uncertain significance (1 of 4 stars; one submission).

Submission:

GeneDx
Classification: Uncertain significance. Last evaluated: 2022-04-25. Review status: criteria provided, single submitter. Criteria: GeneDx Variant Classification Process June 2021. Collection method: clinical testing. Allele origin: germline. Affected: yes.
Comment: Not observed at significant frequency in large population cohorts (gnomAD); In silico analysis supports that this missense variant has a deleterious effect on protein structure/function; Has not been previously published as pathogenic or benign to our knowledge